The following is an entry in ClinVar:

NM_005228.5(EGFR):c.628+1del

Gene: EGFR (epidermal growth factor receptor; plus strand). Cytogenetic location: 7p11.2.
Variant type: Deletion.
Coding change: c.628+1del on transcript NM_005228.5 (MANE Select); the canonical splice donor site of the intron after coding-DNA position 628, one base deleted (G; older notation c.628+1delG).
Molecular consequence: splice donor variant. On other transcripts: intron variant (1).
Genome position (GRCh38, 1-based): chr7:55,151,363, G deleted. VCF-style (leftmost placement, unchanged base first): chr7-55151362-CG-C. GRCh37 (hg19) VCF-style: chr7-55219055-CG-C.
Other names: c.493+1del (NM_001346899.2, NM_001346897.2); c.89-4467del (NM_001346941.2); c.628+1del (NM_001346898.2, NM_201284.2, NM_201282.2 and 1 more transcripts); c.469+1del (NM_001346900.2).
Identifiers: ClinVar variation 3723702 (VCV003723702.2).

ClinVar aggregate classification (germline): Likely pathogenic (1 of 4 stars; one submission).

Conditions:
EGFR-related lung cancer (EGFR). Identifiers: MedGen CN130014.

Submission:

Labcorp Genetics (formerly Invitae), Labcorp
Classification: Likely pathogenic for EGFR-related lung cancer. Last evaluated: 2024-10-24. Review status: criteria provided, single submitter. Criteria: Invitae Variant Classification Sherloc (09022015). Collection method: clinical testing. Allele origin: germline.
Comment: This sequence change affects a splice site in intron 5 of the EGFR gene. It is expected to disrupt RNA splicing. Variants that disrupt the donor or acceptor splice site typically lead to a loss of protein function (PMID: 16199547), and loss-of-function variants in EGFR are known to be pathogenic (PMID: 7630400, 28726809, 29899996). This variant is not present in population databases (gnomAD no frequency). This variant has not been reported in the literature in individuals affected with EGFR-related conditions. Algorithms developed to predict the effect of sequence changes on RNA splicing suggest that this variant may disrupt the consensus splice site. In summary, the currently available evidence indicates that the variant is pathogenic, but additional data are needed to prove that conclusively. Therefore, this variant has been classified as Likely Pathogenic.

Literature cited by the submitters: PubMed 16199547; PubMed 7630400; PubMed 28726809; PubMed 29899996.